The following is an entry in ClinVar:

NM_000447.3(PSEN2):c.893T>C (p.Met298Thr)

Gene: PSEN2 (presenilin 2; plus strand). Cytogenetic location: 1q42.13.
Variant type: single nucleotide variant.
Coding change: c.893T>C on transcript NM_000447.3 (MANE Select); coding-DNA position 893, T replaced by C.
Protein change: p.Met298Thr; replaces methionine 298 with threonine.
Molecular consequence: missense variant.
Genome position (GRCh38, 1-based): chr1:226,891,284, T>C. VCF-style: chr1-226891284-T-C. GRCh37 (hg19) VCF-style: chr1-227078985-T-C.
Other names: c.893T>C, p.Met298Thr (NM_012486.3); short protein forms M298T.
Identifiers: ClinVar variation 2037006 (VCV002037006.4), dbSNP rs1482790603, ClinGen allele CA345042402.

ClinVar aggregate classification (germline): Uncertain significance (1 of 4 stars; one submission).

Conditions:
Alzheimer disease 4 (AD4). Identifiers: Orphanet 1020, MedGen C1847200, MONDO:0011743, OMIM 606889.

Allele frequency attached by ClinVar (database versions not stated): gnomAD 0.00001; gnomAD exomes 0.00001; TOPMed 0.00002.

Submission:

Labcorp Genetics (formerly Invitae), Labcorp
Classification: Uncertain significance for Alzheimer disease 4. Last evaluated: 2022-08-12. Review status: criteria provided, single submitter. Criteria: Invitae Variant Classification Sherloc (09022015). Collection method: clinical testing. Allele origin: germline.
Comment: In summary, the available evidence is currently insufficient to determine the role of this variant in disease. Therefore, it has been classified as a Variant of Uncertain Significance. Algorithms developed to predict the effect of missense changes on protein structure and function (SIFT, PolyPhen-2, Align-GVGD) all suggest that this variant is likely to be disruptive. This missense change has been observed in individual(s) with Alzheimer's disease (PMID: 30954774, 31914229). This variant is present in population databases (no rsID available, gnomAD 0.01%). This sequence change replaces methionine, which is neutral and non-polar, with threonine, which is neutral and polar, at codon 298 of the PSEN2 protein (p.Met298Thr).

Literature cited by the submitters: PubMed 30954774; PubMed 31914229.